The following is an entry in ClinVar:

NM_006949.4(STXBP2):c.703C>T (p.Arg235Trp)

Gene: STXBP2 (syntaxin binding protein 2; plus strand). Cytogenetic location: 19p13.2.
Variant type: single nucleotide variant.
Coding change: c.703C>T on transcript NM_006949.4 (MANE Select); coding-DNA position 703, C replaced by T.
Protein change: p.Arg235Trp; replaces arginine 235 with tryptophan.
Molecular consequence: missense variant. On other transcripts: non-coding transcript variant (1).
Genome position (GRCh38, 1-based): chr19:7,642,242, C>T. VCF-style: chr19-7642242-C-T. GRCh37 (hg19) VCF-style: chr19-7707128-C-T.
Other names: c.694C>T, p.Arg232Trp (NM_001127396.3); c.736C>T, p.Arg246Trp (NM_001272034.2); c.607C>T, p.Arg203Trp (NM_001414484.1); short protein forms R203W, R232W, R235W, R246W.
Identifiers: ClinVar variation 3337640 (VCV003337640.2).

ClinVar aggregate classification (germline): Conflicting classifications of pathogenicity. Review status: criteria provided, conflicting classifications (1 of 4 stars). 2 submissions from 2 submitters: Likely pathogenic (1); Uncertain significance (1). Last evaluated 2024-09-18.

gnomAD v4.1: 6 of 1,614,054 alleles (0.00037%); highest among the groups gnomAD compares: Non-Finnish European, 0.00051%; no homozygotes.

Submissions (2):

Women's Health and Genetics/Laboratory Corporation of America, LabCorp
Classification: Uncertain significance. Last evaluated: 2024-09-18. Review status: criteria provided, single submitter. Criteria: LabCorp Variant Classification Summary - May 2015. Collection method: clinical testing. Allele origin: germline.
Comment: Variant summary: STXBP2 c.703C>T (p.Arg235Trp) results in a non-conservative amino acid change in the encoded protein sequence. Five of five in-silico tools predict a damaging effect of the variant on protein function. The variant allele was found at a frequency of 1.2e-05 in 251370 control chromosomes. The available data on variant occurrences in the general population are insufficient to allow any conclusion about variant significance. c.703C>T has been reported in the literature in individuals affected with Familial Hemophagocytic Lymphohistiocytosis without reported genotype or second variant (e.g. Stefanucci_2023). This report does not provide unequivocal conclusions about association of the variant with Familial Hemophagocytic Lymphohistiocytosis. To our knowledge, no experimental evidence demonstrating an impact on protein function has been reported. The following publication has been ascertained in the context of this evaluation (PMID: 37647632). ClinVar contains an entry for this variant (Variation ID: 3337640). Based on the evidence outlined above, the variant was classified as uncertain significance.

Clinical Genetics Laboratory, Skane University Hospital Lund
Classification: Likely pathogenic. Last evaluated: 2022-12-19. Review status: criteria provided, single submitter. Criteria: ACMG Guidelines, 2015. Collection method: clinical testing. Allele origin: germline. Affected: yes.

Literature cited by the submitters: PubMed 37647632 (cited by Women's Health and Genetics/Laboratory Corporation of America, LabCorp).